The following is an entry in ClinVar:

ClinVar aggregate classification (germline): Uncertain significance (1 of 4 stars; one submission).

Submission:

Ambry Genetics
Classification: Uncertain significance. Last evaluated: 2024-08-22. Review status: criteria provided, single submitter. Criteria: Ambry Variant Classification Scheme 2023. Collection method: clinical testing. Allele origin: germline.
Comment: The p.S228N variant (also known as c.683G>A), located in coding exon 8 of the FAM175A gene, results from a G to A substitution at nucleotide position 683. The serine at codon 228 is replaced by asparagine, an amino acid with highly similar properties. This amino acid position is conserved. In addition, this alteration is predicted to be tolerated by in silico analysis. Based on the available evidence, the clinical significance of this variant remains unclear.

NM_139076.3(ABRAXAS1):c.683G>A (p.Ser228Asn)

Gene: ABRAXAS1 (abraxas 1, BRCA1 A complex subunit; minus strand). Cytogenetic location: 4q21.23.
Variant type: single nucleotide variant.
Coding change: c.683G>A on transcript NM_139076.3 (MANE Select); coding-DNA position 683, G replaced by A.
Protein change: p.Ser228Asn; replaces serine 228 with asparagine.
Molecular consequence: missense variant.
Genome position (GRCh38, 1-based): chr4:83,463,607, C>T on the plus strand (G>A on the coding strand, the complement: ABRAXAS1 is on the minus strand). VCF-style: chr4-83463607-C-T. GRCh37 (hg19) VCF-style: chr4-84384760-C-T.
Other names: c.356G>A, p.Ser119Asn (NM_001345962.2); short protein forms S119N, S228N.
Identifiers: ClinVar variation 3444563 (VCV003444563.1).